The following is an entry in ClinVar:

NM_002546.4(TNFRSF11B):c.725G>A (p.Arg242Gln)

Gene: TNFRSF11B (TNF receptor superfamily member 11b; minus strand). Cytogenetic location: 8q24.12.
Variant type: single nucleotide variant.
Coding change: c.725G>A on transcript NM_002546.4 (MANE Select); coding-DNA position 725, G replaced by A.
Protein change: p.Arg242Gln; replaces arginine 242 with glutamine.
Molecular consequence: missense variant.
Genome position (GRCh38, 1-based): chr8:118,926,586, C>T on the plus strand (G>A on the coding strand, the complement: TNFRSF11B is on the minus strand). VCF-style: chr8-118926586-C-T. GRCh37 (hg19) VCF-style: chr8-119938825-C-T.
Other names: short protein forms R242Q.
Identifiers: ClinVar variation 3459135 (VCV003459135.3).

ClinVar aggregate classification (germline): Uncertain significance. Review status: criteria provided, multiple submitters, no conflicts (2 of 4 stars). 2 submissions from 2 submitters: Uncertain significance (2). Last evaluated 2024-08-28.

Conditions:
Inborn genetic diseases. Identifiers: MedGen C0950123, MeSH D030342.

gnomAD v4.1: 14 of 1,613,932 alleles (0.00087%); highest among the groups gnomAD compares: South Asian, 0.0044%; no homozygotes.

Submissions (2):

Labcorp Genetics (formerly Invitae), Labcorp
Classification: Uncertain significance. Last evaluated: 2024-08-28. Review status: criteria provided, single submitter. Criteria: Invitae Variant Classification Sherloc (09022015). Collection method: clinical testing. Allele origin: germline.
Comment: This sequence change replaces arginine, which is basic and polar, with glutamine, which is neutral and polar, at codon 242 of the TNFRSF11B protein (p.Arg242Gln). This variant is present in population databases (no rsID available, gnomAD 0.003%). This variant has not been reported in the literature in individuals affected with TNFRSF11B-related conditions. Invitae Evidence Modeling of protein sequence and biophysical properties (such as structural, functional, and spatial information, amino acid conservation, physicochemical variation, residue mobility, and thermodynamic stability) indicates that this missense variant is not expected to disrupt TNFRSF11B protein function with a negative predictive value of 80%. In summary, the available evidence is currently insufficient to determine the role of this variant in disease. Therefore, it has been classified as a Variant of Uncertain Significance.

Ambry Genetics
Classification: Uncertain significance for Inborn genetic diseases. Last evaluated: 2024-07-27. Review status: criteria provided, single submitter. Criteria: Ambry Variant Classification Scheme 2023. Collection method: clinical testing. Allele origin: germline.